The following is an entry in ClinVar:

ClinVar aggregate classification (germline): Uncertain significance (1 of 4 stars; one submission).

Allele frequency attached by ClinVar (database versions not stated): gnomAD 0.00007.
gnomAD v4.1: 143 of 1,514,414 alleles (0.0094%); highest among the groups gnomAD compares: Non-Finnish European, 0.012%; no homozygotes.

Submission:

Ambry Genetics
Classification: Uncertain significance. Last evaluated: 2026-03-26. Review status: criteria provided, single submitter. Criteria: Ambry Variant Classification Scheme 2023. Collection method: clinical testing. Allele origin: germline.
Comment: The c.2566G>C (p.D856H) alteration is located in exon 19 (coding exon 19) of the CACNA1B gene. This alteration results from a G to C substitution at nucleotide position 2566, causing the aspartic acid (D) at amino acid position 856 to be replaced by a histidine (H). Based on data from gnomAD, the C allele has an overall frequency of 0.005% (7/139858) total alleles studied. The highest observed frequency was 0.012% (7/56530) of European (non-Finnish) alleles. Based on insufficient or conflicting evidence, the clinical significance of this alteration remains unclear.

NM_000718.4(CACNA1B):c.2566G>C (p.Asp856His)

Gene: CACNA1B (calcium voltage-gated channel subunit alpha1 B; plus strand). Cytogenetic location: 9q34.3.
Variant type: single nucleotide variant.
Coding change: c.2566G>C on transcript NM_000718.4 (MANE Select); coding-DNA position 2566, G replaced by C.
Protein change: p.Asp856His; replaces aspartic acid 856 with histidine.
Molecular consequence: missense variant.
Genome position (GRCh38, 1-based): chr9:138,023,309, G>C. VCF-style: chr9-138023309-G-C. GRCh37 (hg19) VCF-style: chr9-140917761-G-C.
Other names: c.2566G>C, p.Asp856His (NM_001243812.2); short protein forms D856H.
Identifiers: ClinVar variation 3136312 (VCV003136312.2), dbSNP rs1317360652, ClinGen allele CA375809659.
Genomic context (GRCh38, chr9:138,023,309, plus strand): 5'-CCTGAGGCTGCGGAGGCCCCCGAGGGCGTCGACCCTCCGCGCAGGCACCACCGGCACCGC[G>C]ACAAGGACAAGACCCCCGCGGCGGGGGACCAGGACCGAGCAGAGGCCCCGAAGGCGGAGA-3'
Protein context (NP_000709.1, residues 846-866): DPPRRHHRHR[Asp856His]KDKTPAAGDQ